The following is an entry in ClinVar:

NM_015160.3(PMPCA):c.962T>C (p.Met321Thr)

Gene: PMPCA (peptidase, mitochondrial processing subunit alpha; plus strand). Cytogenetic location: 9q34.3.
Variant type: single nucleotide variant.
Coding change: c.962T>C on transcript NM_015160.3 (MANE Select); coding-DNA position 962, T replaced by C.
Protein change: p.Met321Thr; replaces methionine 321 with threonine.
Molecular consequence: missense variant.
Genome position (GRCh38, 1-based): chr9:136,418,081, T>C. VCF-style: chr9-136418081-T-C. GRCh37 (hg19) VCF-style: chr9-139312533-T-C.
Other names: c.569T>C, p.Met190Thr (NM_001282944.2); c.662T>C, p.Met221Thr (NM_001282946.2); c.962T>C (NM_015160.1); short protein forms M221T, M321T, M190T.
Identifiers: ClinVar variation 3017938 (VCV003017938.4), dbSNP rs766071255, ClinGen allele CA5336227.

ClinVar aggregate classification (germline): Uncertain significance. Review status: criteria provided, multiple submitters, no conflicts (2 of 4 stars). 2 submissions from 2 submitters: Uncertain significance (2). Last evaluated 2025-09-26.

Conditions:
Inborn genetic diseases. Identifiers: MedGen C0950123, MeSH D030342.

Allele frequency attached by ClinVar (database versions not stated): gnomAD 0.00002; TOPMed 0.00002; gnomAD exomes 0.00003; ExAC 0.00005.
gnomAD v4.1: 39 of 1,613,222 alleles (0.0024%); highest among the groups gnomAD compares: Non-Finnish European, 0.0032%; no homozygotes.

Submissions (2):

Ambry Genetics
Classification: Uncertain significance for Inborn genetic diseases. Last evaluated: 2025-09-26. Review status: criteria provided, single submitter. Criteria: Ambry Variant Classification Scheme 2023. Collection method: clinical testing. Allele origin: germline.

Labcorp Genetics (formerly Invitae), Labcorp
Classification: Uncertain significance. Last evaluated: 2024-01-08. Review status: criteria provided, single submitter. Criteria: Invitae Variant Classification Sherloc (09022015). Collection method: clinical testing. Allele origin: germline.
Comment: This sequence change replaces methionine, which is neutral and non-polar, with threonine, which is neutral and polar, at codon 321 of the PMPCA protein (p.Met321Thr). This variant is present in population databases (rs766071255, gnomAD 0.01%). This variant has not been reported in the literature in individuals affected with PMPCA-related conditions. Advanced modeling of protein sequence and biophysical properties (such as structural, functional, and spatial information, amino acid conservation, physicochemical variation, residue mobility, and thermodynamic stability) performed at Invitae indicates that this missense variant is not expected to disrupt PMPCA protein function with a negative predictive value of 80%. In summary, the available evidence is currently insufficient to determine the role of this variant in disease. Therefore, it has been classified as a Variant of Uncertain Significance.